The following is an entry in ClinVar:

ClinVar aggregate classification (germline): Conflicting classifications of pathogenicity. Review status: criteria provided, conflicting classifications (1 of 4 stars). 9 submissions from 9 submitters: Pathogenic (2); Likely pathogenic (4); Uncertain significance (2). 1 of the submissions does not count toward it. Last evaluated 2025-07-16.

Conditions:
Congenital myotonia, autosomal recessive form. Also called: Becker Generalized Myotonia; myotonia congenita, autosomal recessive; BECKER DISEASE. Identifiers: Orphanet 614, MedGen C0751360, MONDO:0009715, OMIM 255700.
Congenital myotonia, autosomal dominant form (THD). Also called: THOMSEN DISEASE; Myotonia congenita autosomal dominant. Identifiers: Orphanet 614, MedGen C2936781, MONDO:0008055, OMIM 160800.
Batten-Turner congenital myopathy. Also called: Myotonia congenita; Congenital myotonia. Identifiers: Orphanet 206973, MedGen C0027127, MONDO:0100468, OMIM 255300.

Allele frequency attached by ClinVar (database versions not stated): gnomAD exomes below 0.00001 and 0.00001; ExAC 0.00001; gnomAD 0.00003; TOPMed 0.00004.
gnomAD v4.1: 1 of 1,614,238 alleles (0.000062%); highest among the groups gnomAD compares: Non-Finnish European, 0.000085%; no homozygotes.

Submissions (9):

Labcorp Genetics (formerly Invitae), Labcorp
Classification: Pathogenic for Congenital myotonia, autosomal recessive form; Congenital myotonia, autosomal dominant form. Last evaluated: 2025-07-16. Review status: criteria provided, single submitter. Criteria: Invitae Variant Classification Sherloc (09022015). Collection method: clinical testing. Allele origin: germline.
Comment: This sequence change replaces phenylalanine, which is neutral and non-polar, with serine, which is neutral and polar, at codon 428 of the CLCN1 protein (p.Phe428Ser). This variant is present in population databases (rs774843953, gnomAD 0.003%). This missense change has been observed in individual(s) with clinical features of autosomal recessive myotonia congenita (internal data). In at least one individual the data is consistent with being in trans (on the opposite chromosome) from a pathogenic variant. ClinVar contains an entry for this variant (Variation ID: 208083). Invitae Evidence Modeling of protein sequence and biophysical properties (such as structural, functional, and spatial information, amino acid conservation, physicochemical variation, residue mobility, and thermodynamic stability) indicates that this missense variant is expected to disrupt CLCN1 protein function with a positive predictive value of 95%. Experimental studies have shown that this missense change affects CLCN1 function (PMID: 12390967). For these reasons, this variant has been classified as Pathogenic.

Variantyx, Inc.
Classification: Likely pathogenic for Congenital myotonia, autosomal dominant form. Last evaluated: 2025-06-03. Review status: criteria provided, single submitter. Criteria: Variantyx Assertion Criteria 2022. Collection method: clinical testing. Allele origin: germline. Inheritance: Autosomal recessive inheritance.
Comment: This is a nonsynonymous variant in the CLCN1 gene (OMIM: 118425). Pathogenic variants in this gene have been associated with autosomal dominant myotonia congenita. This variant has been reported in at least 2 unrelated affected individuals (PMID: 12390967, 22507243) (PS4_Moderate). Functional studies have shown that this variant alters CLCN1 protein function (PMID: 12390967) (PS3), and multiple computational algorithms predict a deleterious effect for this variant (REVEL score: 0.971) (PP3). This variant has a 0.0003% maximum allele frequency in non-founder control populations (PM2). Based on the current evidence, this variant is classified as likely pathogenic for autosomal dominant myotonia congenita.

GeneDx
Classification: Likely pathogenic. Last evaluated: 2025-02-21. Review status: criteria provided, single submitter. Criteria: GeneDx Variant Classification Process June 2021. Collection method: clinical testing. Allele origin: germline. Affected: yes.
Comment: Reported previously in a patient with a clinical diagnosis of paramyotonia congenita including muscle stiffness, hand weakness and paraesthesias, and abnormal EMG (PMID: 12390967); In silico analysis supports that this missense variant has a deleterious effect on protein structure/function; Not observed at significant frequency in large population cohorts (gnomAD); This variant is associated with the following publications: (PMID: 12390967, 15786415, 9040658, 20301529, 22187529, 22507243, Prado2020[CaseReport], 38644209)

Fulgent Genetics
Classification: Likely pathogenic for Congenital myotonia, autosomal dominant form; Congenital myotonia, autosomal recessive form. Last evaluated: 2024-04-22. Review status: criteria provided, single submitter. Criteria: ACMG Guidelines, 2015. Collection method: clinical testing. Allele origin: germline.

Greenwood Genetic Center Diagnostic Laboratories, Greenwood Genetic Center
Classification: Likely pathogenic for Congenital myotonia, autosomal recessive form. Last evaluated: 2023-06-01. Review status: criteria provided, single submitter. Criteria: ACMG Guidelines, 2015. Collection method: clinical testing. Allele origin: germline. Affected: yes.
Comment: PS3_Supporting, PM2, PM3, PP3

Revvity Omics, Revvity
Classification: Uncertain significance. Last evaluated: 2019-05-31. Review status: criteria provided, single submitter. Criteria: ACMG Guidelines, 2015. Collection method: clinical testing. Allele origin: germline.

Athena Diagnostics
Classification: Pathogenic. Last evaluated: 2019-02-19. Review status: criteria provided, single submitter. Criteria: Athena Diagnostics Criteria. Collection method: clinical testing. Allele origin: unknown.
Comment: The frequency of this variant in the general population is consistent with pathogenicity. Found in at least one patient with expected phenotype for this gene. Predicted to have a damaging effect on the protein. In multiple individuals, this variant has been seen with a single recessive pathogenic variant in the same gene, suggesting this variant may also be pathogenic. Assessment of experimental evidence suggests this variant results in abnormal protein function.

Eurofins Ntd Llc (ga)
Classification: Uncertain significance. Last evaluated: 2017-11-28. Review status: criteria provided, single submitter. Criteria: EGL Classification Definitions 2015. Collection method: clinical testing. Allele origin: germline. Observed: 1 variant allele, 1 heterozygote.

GeneReviews
No classification provided. Condition: Batten-Turner congenital myopathy. Review status: no classification provided. Collection method: literature only. Allele origin: germline. Affected: yes. Not counted in ClinVar's aggregate classification.

Literature cited by the submitters: PubMed 12390967 (cited by 4 submitters); PubMed 22507243 (cited by Variantyx, Inc.); PubMed 9040658 (cited by GeneReviews); PubMed 15786415 (cited by GeneReviews); NCBI Bookshelf NBK1355 (cited by GeneReviews).

NM_000083.3(CLCN1):c.1283T>C (p.Phe428Ser)

Gene: CLCN1 (chloride voltage-gated channel 1; plus strand). Cytogenetic location: 7q34.
Variant type: single nucleotide variant.
Coding change: c.1283T>C on transcript NM_000083.3 (MANE Select); coding-DNA position 1283, T replaced by C.
Protein change: p.Phe428Ser; replaces phenylalanine 428 with serine.
Molecular consequence: missense variant.
Genome position (GRCh38, 1-based): chr7:143,332,755, T>C. VCF-style: chr7-143332755-T-C. GRCh37 (hg19) VCF-style: chr7-143029848-T-C.
Other names: short protein forms F428S.
Identifiers: ClinVar variation 208083 (VCV000208083.21), dbSNP rs774843953, ClinGen allele CA347374.